The following is an entry in ClinVar:

NM_001203.3(BMPR1B):c.*9G>C

Gene: BMPR1B (bone morphogenetic protein receptor type 1B; plus strand). Cytogenetic location: 4q22.3.
Variant type: single nucleotide variant.
Coding change: c.*9G>C on transcript NM_001203.3 (MANE Select); 9 bases downstream of the stop codon, G replaced by C.
Molecular consequence: 3 prime UTR variant.
Genome position (GRCh38, 1-based): chr4:95,154,682, G>C. VCF-style: chr4-95154682-G-C. GRCh37 (hg19) VCF-style: chr4-96075833-G-C.
Other names: c.*9G>C (NM_001256792.2, NM_001256793.2, NM_001256794.1).
Identifiers: ClinVar variation 287875 (VCV000287875.12), dbSNP rs112333283, ClinGen allele CA3015268.

ClinVar aggregate classification (germline): Likely benign. Review status: criteria provided, multiple submitters, no conflicts (2 of 4 stars). 4 submissions from 4 submitters: Likely benign (4). Last evaluated 2020-11-17.

Conditions:
Brachydactyly. Also called: Brachydactyly (disease); Brachydactyly syndrome. Identifiers: MedGen C0221357, MONDO:0021004, HP:0001156.

Allele frequency attached by ClinVar (database versions not stated): gnomAD 0.00319 and 0.00314; gnomAD exomes 0.00346; ExAC 0.00317; 1000 Genomes Project 30x 0.00328; ESP Exome Variant Server 0.00308; 1000 Genomes Project 0.00339; TOPMed 0.00357.
gnomAD v4.1: 6,382 of 1,613,944 alleles (0.4%); highest among the groups gnomAD compares: Middle Eastern, 0.56%; 24 homozygotes.

Submissions (4):

GeneDx
Classification: Likely benign. Last evaluated: 2020-11-17. Review status: criteria provided, single submitter. Criteria: GeneDx Variant Classification Process June 2021. Collection method: clinical testing. Allele origin: germline. Affected: yes.

Illumina Laboratory Services, Illumina
Classification: Likely benign for Brachydactyly. Last evaluated: 2017-04-27. Review status: criteria provided, single submitter. Criteria: ICSL Variant Classification Criteria 13 December 2019. Collection method: clinical testing. Allele origin: germline.
Comment: This variant was observed as part of a predisposition screen in an ostensibly healthy population. A literature search was performed for the gene, cDNA change, and amino acid change (where applicable). No publications were found based on this search. Allele frequency data from public databases allowed determination this variant is unlikely to cause disease. Therefore, this variant is classified as likely benign.

Eurofins Ntd Llc (ga)
Classification: Likely benign. Last evaluated: 2016-06-03. Review status: criteria provided, single submitter. Criteria: EGL Classification Definitions 2015. Collection method: clinical testing. Allele origin: germline. Observed: 1 variant allele, 1 heterozygote.

Breakthrough Genomics
Classification: Likely benign. Review status: criteria provided, single submitter. Criteria: ACMG Guidelines, 2015. Collection method: not provided. Allele origin: germline. Inheritance: Autosomal recessive inheritance. Affected: yes.